The following is an entry in ClinVar:

ClinVar aggregate classification (germline): Likely pathogenic. Review status: criteria provided, multiple submitters, no conflicts (2 of 4 stars). 3 submissions from 3 submitters: Likely pathogenic (2). 1 of the submissions does not count toward it. Last evaluated 2024-02-13.

Conditions:
GCM2-related disorder. Also called: GCM2-related condition.
Hyperparathyroidism 4 (HRPT4). Identifiers: MedGen C4479229, MONDO:0024570, OMIM 617343.
Hypoparathyroidism, familial isolated, 2. Identifiers: MedGen C5394383, MONDO:0020798, OMIM 618883.

gnomAD v4.1: 2 of 1,614,082 alleles (0.00012%); highest among the groups gnomAD compares: Admixed American, 0.0017%; no homozygotes.

Submissions (3):

GeneDx
Classification: Likely pathogenic. Last evaluated: 2024-02-13. Review status: criteria provided, single submitter. Criteria: GeneDx Variant Classification Process June 2021. Collection method: clinical testing. Allele origin: germline. Affected: yes.
Comment: Not observed at significant frequency in large population cohorts (gnomAD); In silico analysis supports that this missense variant has a deleterious effect on protein structure/function; This variant is associated with the following publications: (PMID: 35038313)

Fulgent Genetics
Classification: Likely pathogenic for Hyperparathyroidism 4; Hypoparathyroidism, familial isolated, 2. Last evaluated: 2024-01-05. Review status: criteria provided, single submitter. Criteria: ACMG Guidelines, 2015. Collection method: clinical testing. Allele origin: germline.

PreventionGenetics, part of Exact Sciences
Classification: Likely pathogenic for GCM2-related condition. Last evaluated: 2024-01-10. Review status: no assertion criteria provided. Collection method: clinical testing. Allele origin: germline. Not counted in ClinVar's aggregate classification.
Comment: The GCM2 c.199C>T variant is predicted to result in the amino acid substitution p.Arg67Cys. To our knowledge, this variant has not been reported in public variant databases. This variant has been reported in the homozygous state in individuals with hypoparathyroidism (Greben, et al. 2017 J Musculoskelet Neuronal Interact. 2017 Dec; 17(4): 347–357; Canaff et al. 2022. PubMed ID: 35038313). At PreventionGenetics, we have observed the c.199C>T variant in the homozygous state in multiple individuals with hypoparathyroidism. In summary, the c.199C>T variant is likely pathogenic for autosomal recessive hypoparathyroidism.

NM_004752.4(GCM2):c.199C>T (p.Arg67Cys)

Gene: GCM2 (glial cells missing transcription factor 2; minus strand). Cytogenetic location: 6p24.2.
Variant type: single nucleotide variant.
Coding change: c.199C>T on transcript NM_004752.4 (MANE Select); coding-DNA position 199, C replaced by T.
Protein change: p.Arg67Cys; replaces arginine 67 with cysteine.
Molecular consequence: missense variant.
Genome position (GRCh38, 1-based): chr6:10,877,284, G>A on the plus strand (C>T on the coding strand, the complement: GCM2 is on the minus strand). VCF-style: chr6-10877284-G-A. GRCh37 (hg19) VCF-style: chr6-10877517-G-A.
Other names: short protein forms R67C.
Identifiers: ClinVar variation 3041710 (VCV003041710.4), dbSNP rs532834782, ClinGen allele CA134132545.